The following is an entry in ClinVar:

ClinVar aggregate classification (germline): Conflicting classifications of pathogenicity. Review status: criteria provided, conflicting classifications (1 of 4 stars). 3 submissions from 3 submitters: Uncertain significance (1); Likely benign (2). Last evaluated 2024-02-22.

Conditions:
BRCA2-related cancer predisposition. Identifiers: MedGen CN377758, MONDO:0700269.
Hereditary cancer-predisposing syndrome. Also called: Neoplastic Syndromes, Hereditary; Tumor predisposition; Hereditary Cancer Syndrome; Hereditary neoplastic syndrome. Identifiers: Orphanet 140162, MedGen C0027672, MeSH D009386, MONDO:0015356.
Familial cancer of breast. Also called: Hereditary breast cancer; BREAST CANCER, FAMILIAL; hereditary breast carcinoma. Identifiers: Orphanet 227535, MedGen C0346153, MONDO:0016419, OMIM 114480. Disease mechanism: loss of function.

Submissions (3):

All of Us Research Program, National Institutes of Health
Classification: Uncertain significance for BRCA2-related cancer predisposition. Last evaluated: 2024-02-22. Review status: criteria provided, single submitter. Criteria: ACMG Guidelines, 2015. Collection method: clinical testing. Allele origin: germline. Inheritance: Autosomal dominant inheritance. Observed: 1 variant allele, 1 heterozygote.
Comment: This missense variant replaces glutamic acid with aspartic acid at codon 1548 of the BRCA2 protein. Computational prediction is inconclusive regarding the impact of this variant on protein structure and function (internally defined REVEL score threshold 0.5 < inconclusive < 0.7, PMID: 27666373). To our knowledge, functional studies have not been reported for this variant. This variant has not been reported in individuals affected with BRCA2-related disorders in the literature. This variant has not been identified in the general population by the Genome Aggregation Database (gnomAD). The available evidence is insufficient to determine the role of this variant in disease conclusively. Therefore, this variant is classified as a Variant of Uncertain Significance.

This study involves interpretation of variants in research participants for the purpose of population health screening. Participant phenotype was not available at the time of variant classification. Additional details can be found in publication PMID: 35346344, PMCID: PMC8962531

MGZ Medical Genetics Center
Classification: Likely benign for Familial cancer of breast. Last evaluated: 2024-02-09. Review status: criteria provided, single submitter. Criteria: CSpec BRCA1/2ACMG Rules Specifications V1.1.0. Collection method: clinical testing. Allele origin: germline. Affected: yes.
Comment: ACMG codes applied following ENIGMA VCEP rules: BP1_STR, PM2_SUP

University of Washington Department of Laboratory Medicine, University of Washington
Classification: Likely benign for Hereditary cancer-predisposing syndrome. Last evaluated: 2023-03-23. Review status: criteria provided, single submitter. Criteria: Dines et al. (Genet Med. 2020). Collection method: curation. Allele origin: germline.
Comment: Missense variant in a coldspot region where missense variants are very unlikely to be pathogenic (PMID:31911673).

BRCA2 exon 11 coldspot. Reclassification based on statistical prior probability.

NM_000059.4(BRCA2):c.4644A>C (p.Glu1548Asp)

Gene: BRCA2 (BRCA2 DNA repair associated; plus strand). Cytogenetic location: 13q13.1.
Variant type: single nucleotide variant.
Coding change: c.4644A>C on transcript NM_000059.4 (MANE Select); coding-DNA position 4644, A replaced by C.
Protein change: p.Glu1548Asp; replaces glutamic acid 1548 with aspartic acid.
Molecular consequence: missense variant.
Genome position (GRCh38, 1-based): chr13:32,338,999, A>C. VCF-style: chr13-32338999-A-C. GRCh37 (hg19) VCF-style: chr13-32913136-A-C.
Other names: c.4644A>C, p.Glu1548Asp (NM_001406719.1, NM_001406720.1); short protein forms E1548D.
Identifiers: ClinVar variation 1709632 (VCV001709632.5), dbSNP rs1257318418, ClinGen allele CA387782161.
Genomic context (GRCh38, chr13:32,338,999, plus strand): 5'-CGGGAAAAAAGTTAAAATTGCAAAGGAATCTTTGGACAAAGTGAAAAACCTTTTTGATGA[A>C]AAAGAGCAAGGTACTAGTGAAATCACCAGTTTTAGCCATCAATGGGCAAAGACCCTAAAG-3'
Protein context (NP_000050.3, residues 1538-1558): SLDKVKNLFD[Glu1548Asp]KEQGTSEITS